The following is an entry in ClinVar:

NM_001005242.3(PKP2):c.1379-2060C>T

Gene: PKP2 (plakophilin 2; minus strand). Cytogenetic location: 12p11.21.
Variant type: single nucleotide variant.
Coding change: c.1379-2060C>T on transcript NM_001005242.3 (MANE Select); 2060 bases into the intron before coding-DNA position 1379, C replaced by T.
Molecular consequence: intron variant. On other transcripts: missense variant (2).
Genome position (GRCh38, 1-based): chr12:32,843,265, G>A on the plus strand (C>T on the coding strand, the complement: PKP2 is on the minus strand). VCF-style: chr12-32843265-G-A. GRCh37 (hg19) VCF-style: chr12-32996199-G-A.
Other names: c.1427C>T, p.Ala476Val (NM_001407157.1, NM_004572.4); c.1379-2060C>T (NM_001407156.1, NM_001407155.1, NM_001407161.1); c.1052-2060C>T (NM_001407160.1, NM_001407159.1, NM_001407158.1 and 1 more transcripts); short protein forms A476V.
Identifiers: ClinVar variation 4746741 (VCV004746741.1).

ClinVar aggregate classification (germline): Uncertain significance (1 of 4 stars; one submission).

Conditions:
Arrhythmogenic right ventricular dysplasia 9 (ARVD9). Also called: Arrhythmogenic Right Ventricular Dysplasia/Cardiomyopathy 9; ARRHYTHMOGENIC RIGHT VENTRICULAR DYSPLASIA, FAMILIAL, 9. Identifiers: MedGen C1836906, MONDO:0012180, OMIM 609040.

Submission:

Labcorp Genetics (formerly Invitae), Labcorp
Classification: Uncertain significance for Arrhythmogenic right ventricular dysplasia 9. Last evaluated: 2025-07-16. Review status: criteria provided, single submitter. Criteria: Invitae Variant Classification Sherloc (09022015). Collection method: clinical testing. Allele origin: germline.
Comment: This sequence change replaces alanine, which is neutral and non-polar, with valine, which is neutral and non-polar, at codon 476 of the PKP2 protein (p.Ala476Val). This variant is not present in population databases (gnomAD no frequency). This variant has not been reported in the literature in individuals affected with PKP2-related conditions. An algorithm developed to predict the effect of missense changes on protein structure and function (PolyPhen-2) suggests that this variant is likely to be tolerated. In summary, the available evidence is currently insufficient to determine the role of this variant in disease. Therefore, it has been classified as a Variant of Uncertain Significance.